The following is an entry in ClinVar:

ClinVar aggregate classification (germline): Likely benign (0 of 4 stars; one submission).

Conditions:
RMI1-related disorder. Also called: RMI1-related condition.

Allele frequency attached by ClinVar (database versions not stated): gnomAD exomes 0.00028; ExAC 0.00064; ESP Exome Variant Server 0.00069; gnomAD 0.00157; TOPMed 0.00180; 1000 Genomes Project 0.00220; 1000 Genomes Project 30x 0.00234.
gnomAD v4.1: 672 of 1,613,986 alleles (0.042%); highest among the groups gnomAD compares: African/African-American, 0.44%; 2 homozygotes.

Submission:

PreventionGenetics, part of Exact Sciences
Classification: Likely benign for RMI1-related condition. Last evaluated: 2019-03-04. Review status: no assertion criteria provided. Collection method: clinical testing. Allele origin: germline.
Comment: This variant is classified as likely benign based on ACMG/AMP sequence variant interpretation guidelines (Richards et al. 2015 PMID: 25741868, with internal and published modifications).

NM_001358291.2(RMI1):c.1588A>G (p.Ile530Val)

Gene: RMI1 (RecQ mediated genome instability 1; plus strand). Cytogenetic location: 9q21.32.
Variant type: single nucleotide variant.
Coding change: c.1588A>G on transcript NM_001358291.2 (MANE Select); coding-DNA position 1588, A replaced by G.
Protein change: p.Ile530Val; replaces isoleucine 530 with valine.
Molecular consequence: missense variant.
Genome position (GRCh38, 1-based): chr9:84,002,574, A>G. VCF-style: chr9-84002574-A-G. GRCh37 (hg19) VCF-style: chr9-86617489-A-G.
Other names: c.1588A>G, p.Ile530Val (NM_001358292.2, NM_001358293.2, NM_001358294.2 and 1 more transcripts); short protein forms I530V.
Identifiers: ClinVar variation 3044036 (VCV003044036.2), dbSNP rs148663552, ClinGen allele CA5104623.